The following is an entry in ClinVar:

ClinVar aggregate classification (germline): Uncertain significance (1 of 4 stars; one submission).

Conditions:
Paroxysmal nonkinesigenic dyskinesia. Also called: Paroxysmal non-kinesigenic dyskinesia. Identifiers: Orphanet 98810, MedGen C1869117, MONDO:0700088.

Allele frequency attached by ClinVar (database versions not stated): gnomAD exomes below 0.00001.
gnomAD v4.1: 2 of 1,590,744 alleles (0.00013%); highest among the groups gnomAD compares: Non-Finnish European, 0.00017%; no homozygotes.

Submission:

Labcorp Genetics (formerly Invitae), Labcorp
Classification: Uncertain significance for Paroxysmal nonkinesigenic dyskinesia. Last evaluated: 2022-10-30. Review status: criteria provided, single submitter. Criteria: Invitae Variant Classification Sherloc (09022015). Collection method: clinical testing. Allele origin: germline.
Comment: Advanced modeling of protein sequence and biophysical properties (such as structural, functional, and spatial information, amino acid conservation, physicochemical variation, residue mobility, and thermodynamic stability) performed at Invitae indicates that this missense variant is not expected to disrupt PNKD protein function. This variant has not been reported in the literature in individuals affected with PNKD-related conditions. This variant is not present in population databases (gnomAD no frequency). This sequence change replaces valine, which is neutral and non-polar, with methionine, which is neutral and non-polar, at codon 304 of the PNKD protein (p.Val304Met). In summary, the available evidence is currently insufficient to determine the role of this variant in disease. Therefore, it has been classified as a Variant of Uncertain Significance.

NM_015488.5(PNKD):c.910G>A (p.Val304Met)

Genes: CATIP-AS2 (CATIP antisense RNA 2; minus strand), PNKD (PNKD metallo-beta-lactamase domain containing; plus strand). Cytogenetic location: 2q35.
Variant type: single nucleotide variant.
Coding change: c.910G>A on transcript NM_015488.5 (MANE Select); coding-DNA position 910, G replaced by A.
Protein change: p.Val304Met; replaces valine 304 with methionine.
Molecular consequence: missense variant.
Genome position (GRCh38, 1-based): chr2:218,344,496, G>A. VCF-style: chr2-218344496-G-A. GRCh37 (hg19) VCF-style: chr2-219209219-G-A.
Other names: c.838G>A, p.Val280Met (NM_022572.5); short protein forms V304M, V280M.
Identifiers: ClinVar variation 2993576 (VCV002993576.3), dbSNP rs2469473318, ClinGen allele CA350542713.
Genomic context (GRCh38, chr2:218,344,496, plus strand): 5'-CCCTCATGGCTGTCGGTAGGTCATGAGTATGCAGAGGAGAACCTGGGCTTTGCAGGTGTG[G>A]TGGAGCCCGAGAACCTGGCCCGGGAGAGGAAGATGCAGTGGGTGCAGCGGCAGCGGCTGG-3'
Protein context (NP_056303.3, residues 294-314): AEENLGFAGV[Val304Met]EPENLARERK